The following is an entry in ClinVar:

ClinVar aggregate classification (germline): Uncertain significance. Review status: criteria provided, multiple submitters, no conflicts (2 of 4 stars). 2 submissions from 2 submitters: Uncertain significance (2). Last evaluated 2025-04-21.

Allele frequency attached by ClinVar (database versions not stated): gnomAD exomes 0.00001; TOPMed 0.00001; gnomAD 0.00003.

Submissions (2):

Mayo Clinic Laboratories, Mayo Clinic
Classification: Uncertain significance. Last evaluated: 2025-04-21. Review status: criteria provided, single submitter. Criteria: ACMG Guidelines, 2015. Collection method: clinical testing. Allele origin: germline. Observed: 1 variant allele.
Comment: PM2_supporting

Labcorp Genetics (formerly Invitae), Labcorp
Classification: Uncertain significance. Last evaluated: 2022-09-06. Review status: criteria provided, single submitter. Criteria: Invitae Variant Classification Sherloc (09022015). Collection method: clinical testing. Allele origin: germline.
Comment: This sequence change replaces methionine, which is neutral and non-polar, with isoleucine, which is neutral and non-polar, at codon 168 of the DGKE protein (p.Met168Ile). This variant is present in population databases (no rsID available, gnomAD 0.001%). This variant has not been reported in the literature in individuals affected with DGKE-related conditions. Algorithms developed to predict the effect of missense changes on protein structure and function (SIFT, PolyPhen-2, Align-GVGD) all suggest that this variant is likely to be tolerated. In summary, the available evidence is currently insufficient to determine the role of this variant in disease. Therefore, it has been classified as a Variant of Uncertain Significance.

NM_003647.3(DGKE):c.504G>A (p.Met168Ile)

Gene: DGKE (diacylglycerol kinase epsilon; plus strand). Cytogenetic location: 17q22.
Variant type: single nucleotide variant.
Coding change: c.504G>A on transcript NM_003647.3 (MANE Select); coding-DNA position 504, G replaced by A.
Protein change: p.Met168Ile; replaces methionine 168 with isoleucine.
Molecular consequence: missense variant.
Genome position (GRCh38, 1-based): chr17:56,844,058, G>A. VCF-style: chr17-56844058-G-A. GRCh37 (hg19) VCF-style: chr17-54921419-G-A.
Other names: p.Met168Ile; short protein forms M168I.
Identifiers: ClinVar variation 2062617 (VCV002062617.2), dbSNP rs1293783964, ClinGen allele CA399926017.
Genomic context (GRCh38, chr17:56,844,058, plus strand): 5'-CTTGTTTCTTCCTTCCCTCAGGTGCATTTGGTGCCAGAAAACAGTACATGATGAGTGCAT[G>A]AAAAATAGTTTAAAGAATGAAAAATGTGATTTTGGAGAATTCAAAAACCTAATCATTCCA-3'
Protein context (NP_003638.1, residues 158-178): WCQKTVHDEC[Met168Ile]KNSLKNEKCD